The following is an entry in ClinVar:

ClinVar aggregate classification (germline): Conflicting classifications of pathogenicity. Review status: criteria provided, conflicting classifications (1 of 4 stars). 3 submissions from 3 submitters: Uncertain significance (1); Benign (1); Likely benign (1). Last evaluated 2025-11-03.

Allele frequency attached by ClinVar (database versions not stated): ESP Exome Variant Server 0.00015.
gnomAD v4.1: 21 of 1,613,922 alleles (0.0013%); highest among the groups gnomAD compares: Non-Finnish European, 0.0018%; no homozygotes.

Submissions (3):

Women's Health and Genetics/Laboratory Corporation of America, LabCorp
Classification: Likely benign. Last evaluated: 2025-11-03. Review status: criteria provided, single submitter. Criteria: LabCorp Variant Classification Summary - May 2015. Collection method: clinical testing. Allele origin: germline.
Comment: Variant summary: SETBP1 c.2705C>G (p.Pro902Arg) results in a non-conservative amino acid change in the encoded protein sequence. Algorithms developed to predict the effect of missense changes on protein structure and function all suggest that this variant is likely to be disruptive. The variant allele was found in at least 21 heterozygous controls at a frequency of 8e-06 in 250826 control chromosomes (gnomAD v4). The available data on variant occurrences in the general population are insufficient to allow any conclusion about variant significance, however the presence of this many heterozygous controls is inconsistent with the early onset and severe presentation of SETBP1-related conditions. To our knowledge, no occurrence of c.2705C>G in individuals affected with SETBP1-related conditions and no experimental evidence demonstrating its impact on protein function have been reported. ClinVar contains an entry for this variant (Variation ID: 2193334). Based on the evidence outlined above, the variant was classified as likely benign.

Labcorp Genetics (formerly Invitae), Labcorp
Classification: Benign. Last evaluated: 2025-06-02. Review status: criteria provided, single submitter. Criteria: Invitae Variant Classification Sherloc (09022015). Collection method: clinical testing. Allele origin: germline.

GeneDx
Classification: Uncertain significance. Last evaluated: 2023-11-17. Review status: criteria provided, single submitter. Criteria: GeneDx Variant Classification Process June 2021. Collection method: clinical testing. Allele origin: germline. Affected: yes.
Comment: In silico analysis supports that this missense variant has a deleterious effect on protein structure/function; Has not been previously published as pathogenic or benign to our knowledge

NM_015559.3(SETBP1):c.2705C>G (p.Pro902Arg)

Gene: SETBP1 (SET binding protein 1; plus strand). Cytogenetic location: 18q12.3.
Variant type: single nucleotide variant.
Coding change: c.2705C>G on transcript NM_015559.3 (MANE Select); coding-DNA position 2705, C replaced by G.
Protein change: p.Pro902Arg; replaces proline 902 with arginine.
Molecular consequence: missense variant.
Genome position (GRCh38, 1-based): chr18:44,952,045, C>G. VCF-style: chr18-44952045-C-G. GRCh37 (hg19) VCF-style: chr18-42532010-C-G.
Other names: c.2705C>G, p.Pro902Arg (NM_001379141.1, NM_001379142.1, NM_001410862.1); c.2705C>G (NM_015559.2); short protein forms P902R.
Identifiers: ClinVar variation 2193334 (VCV002193334.7), dbSNP rs139479590, ClinGen allele CA8945780.
Genomic context (GRCh38, chr18:44,952,045, plus strand): 5'-CGGAGAAGAGCTCAGAATCCCGAAGGAGGTACTCTTTTGATTTCTGCTCCCTGGACAACC[C>G]GGAGGCCATTCCGTCCGACACCAGCACAAAGAACCGGCATGGCCACCGGCAAAAGCATCT-3'
Protein context (NP_056374.2, residues 892-912): YSFDFCSLDN[Pro902Arg]EAIPSDTSTK